The following is an entry in ClinVar:

ClinVar aggregate classification (germline): Pathogenic (1 of 4 stars; one submission).

Submission:

Labcorp Genetics (formerly Invitae), Labcorp
Classification: Pathogenic. Last evaluated: 2018-05-15. Review status: criteria provided, single submitter. Criteria: Invitae Variant Classification Sherloc (09022015). Collection method: clinical testing. Allele origin: germline.
Comment: For these reasons, this variant has been classified as Pathogenic. Loss-of-function variants in CTNNB1 are known to be pathogenic (PMID: 23033978, 24614104, 25326669, 26350204). This variant has not been reported in the literature in individuals with CTNNB1-related disease. This variant is not present in population databases (ExAC no frequency). This sequence change creates a premature translational stop signal (p.Cys381Serfs*13) in the CTNNB1 gene. It is expected to result in an absent or disrupted protein product.

Literature cited by the submitters: PubMed 23033978; PubMed 24614104; PubMed 25326669; PubMed 26350204.

NM_001904.4(CTNNB1):c.1142_1143del (p.Cys381fs)

Gene: CTNNB1 (catenin beta 1; plus strand). Cytogenetic location: 3p22.1.
Variant type: Deletion.
Coding change: c.1142_1143del on transcript NM_001904.4 (MANE Select); coding-DNA positions 1142 to 1143, 2 bases deleted (GT; older notation c.1142_1143delGT).
Protein change: p.Cys381fs; shifts the reading frame from cysteine 381.
Molecular consequence: frameshift variant.
Genome position (GRCh38, 1-based): chr3:41,233,401-41,233,402, GT deleted; deleting any 2 consecutive bases within chr3:41,233,400-41,233,402 gives the same sequence; the c. name uses the placement nearest the transcript's 3' end. VCF-style (leftmost placement, unchanged base first): chr3-41233399-CTG-C. GRCh37 (hg19) VCF-style: chr3-41274890-CTG-C.
Other names: c.1142_1143del, p.Cys381fs (NM_001098209.2, NM_001098210.2); c.1121_1122del, p.Cys374fs (NM_001330729.2); short protein forms C374fs, C381fs.
Identifiers: ClinVar variation 1074288 (VCV001074288.3), dbSNP rs2125637830, ClinGen allele CA2499216779.